The following is an entry in ClinVar:

NM_001042492.3(NF1):c.570A>T (p.Leu190Phe)

Gene: NF1 (neurofibromin 1; plus strand). Cytogenetic location: 17q11.2.
Variant type: single nucleotide variant.
Coding change: c.570A>T on transcript NM_001042492.3 (MANE Select); coding-DNA position 570, A replaced by T.
Protein change: p.Leu190Phe; replaces leucine 190 with phenylalanine.
Molecular consequence: missense variant.
Genome position (GRCh38, 1-based): chr17:31,169,981, A>T. VCF-style: chr17-31169981-A-T. GRCh37 (hg19) VCF-style: chr17-29496999-A-T.
Other names: c.570A>T, p.Leu190Phe (NM_000267.4, NM_001128147.3); short protein forms L190F.
Identifiers: ClinVar variation 1386890 (VCV001386890.9), dbSNP rs2143708067, ClinGen allele CA398985390.

ClinVar aggregate classification (germline): Uncertain significance. Review status: criteria provided, multiple submitters, no conflicts (2 of 4 stars). 3 submissions from 3 submitters: Uncertain significance (3). Last evaluated 2025-11-10.

Conditions:
Cardiovascular phenotype. Identifiers: MedGen CN230736.
Hereditary cancer-predisposing syndrome. Also called: Tumor predisposition; Hereditary neoplastic syndrome; Neoplastic Syndromes, Hereditary; Hereditary Cancer Syndrome. Identifiers: Orphanet 140162, MedGen C0027672, MeSH D009386, MONDO:0015356.
Neurofibromatosis, type 1 (NF1). Also called: VON RECKLINGHAUSEN DISEASE; Peripheral type neurofibromatosis; Neurofibromatosis, type I; NEUROFIBROMATOSIS, TYPE I, SOMATIC. Identifiers: Orphanet 636, MedGen C0027831, MONDO:0018975, OMIM 162200. Disease mechanism: loss of function.

Submissions (3):

Labcorp Genetics (formerly Invitae), Labcorp
Classification: Uncertain significance for Neurofibromatosis, type 1. Last evaluated: 2025-11-10. Review status: criteria provided, single submitter. Criteria: Invitae Variant Classification Sherloc (09022015). Collection method: clinical testing. Allele origin: germline.
Comment: This sequence change replaces leucine, which is neutral and non-polar, with phenylalanine, which is neutral and non-polar, at codon 190 of the NF1 protein (p.Leu190Phe). This variant is not present in population databases (gnomAD no frequency). This variant has not been reported in the literature in individuals affected with NF1-related conditions. ClinVar contains an entry for this variant (Variation ID: 1386890). Invitae Evidence Modeling of protein sequence and biophysical properties (such as structural, functional, and spatial information, amino acid conservation, physicochemical variation, residue mobility, and thermodynamic stability) indicates that this missense variant is expected to disrupt NF1 protein function with a positive predictive value of 95%. In summary, the available evidence is currently insufficient to determine the role of this variant in disease. Therefore, it has been classified as a Variant of Uncertain Significance.

Ambry Genetics
Classification: Uncertain significance for Cardiovascular phenotype; Hereditary cancer-predisposing syndrome. Last evaluated: 2023-05-07. Review status: criteria provided, single submitter. Criteria: Ambry Variant Classification Scheme 2023. Collection method: clinical testing. Allele origin: germline.
Comment: The p.L190F variant (also known as c.570A>T), located in coding exon 5 of the NF1 gene, results from an A to T substitution at nucleotide position 570. The leucine at codon 190 is replaced by phenylalanine, an amino acid with highly similar properties. This amino acid position is conserved. In addition, this alteration is predicted to be deleterious by in silico analysis. Since supporting evidence is limited at this time, the clinical significance of this alteration remains unclear.

GeneDx
Classification: Uncertain significance. Last evaluated: 2023-04-17. Review status: criteria provided, single submitter. Criteria: GeneDx Variant Classification Process June 2021. Collection method: clinical testing. Allele origin: germline. Affected: yes.
Comment: Not observed at significant frequency in large population cohorts (gnomAD); In silico analysis supports that this missense variant has a deleterious effect on protein structure/function; Has not been previously published as pathogenic or benign to our knowledge